The following is an entry in ClinVar:

NM_004655.4(AXIN2):c.1578G>A (p.Lys526=)

Gene: AXIN2 (axin 2; minus strand). Cytogenetic location: 17q24.1.
Variant type: single nucleotide variant.
Coding change: c.1578G>A on transcript NM_004655.4 (MANE Select); coding-DNA position 1578, G replaced by A.
Protein change: p.Lys526=; no amino-acid change (lysine 526 retained).
Molecular consequence: synonymous variant.
Genome position (GRCh38, 1-based): chr17:65,537,458, C>T on the plus strand (G>A on the coding strand, the complement: AXIN2 is on the minus strand). VCF-style: chr17-65537458-C-T. GRCh37 (hg19) VCF-style: chr17-63533576-C-T.
Other names: c.1578G>A (NM_004655.3); c.1578G>A, p.Lys526= (NM_001363813.1).
Identifiers: ClinVar variation 1673553 (VCV001673553.10), dbSNP rs1555577678, ClinGen allele CA501691242.

ClinVar aggregate classification (germline): Benign/Likely benign. Review status: criteria provided, multiple submitters, no conflicts (2 of 4 stars). 3 submissions from 3 submitters: Benign (1); Likely benign (2). Last evaluated 2024-07-03.

Conditions:
Hereditary cancer-predisposing syndrome. Also called: Tumor predisposition; Hereditary neoplastic syndrome; Hereditary Cancer Syndrome; Neoplastic Syndromes, Hereditary. Identifiers: Orphanet 140162, MedGen C0027672, MeSH D009386, MONDO:0015356.
Oligodontia-cancer predisposition syndrome. Also called: TOOTH AGENESIS-COLORECTAL CANCER SYNDROME. Identifiers: Orphanet 300576, MedGen C1837750, MONDO:0012075, OMIM 608615. Disease mechanism: loss of function.

Allele frequency attached by ClinVar (database versions not stated): gnomAD exomes below 0.00001.
gnomAD v4.1: 6 of 1,613,928 alleles (0.00037%); highest among the groups gnomAD compares: Non-Finnish European, 0.00051%; no homozygotes.

Submissions (3):

Myriad Genetics, Inc.
Classification: Benign for Oligodontia-cancer predisposition syndrome. Last evaluated: 2024-07-03. Review status: criteria provided, single submitter. Criteria: Myriad Autosomal Dominant, Autosomal Recessive and X-Linked Classification Criteria (2023). Collection method: clinical testing. Allele origin: unknown.
Comment: This variant is considered benign. This variant is a silent/synonymous amino acid change and it is not expected to impact splicing.

Ambry Genetics
Classification: Likely benign for Hereditary cancer-predisposing syndrome. Last evaluated: 2024-06-04. Review status: criteria provided, single submitter. Criteria: Ambry Variant Classification Scheme 2023. Collection method: clinical testing. Allele origin: germline.

Labcorp Genetics (formerly Invitae), Labcorp
Classification: Likely benign for Oligodontia-cancer predisposition syndrome. Last evaluated: 2021-07-06. Review status: criteria provided, single submitter. Criteria: Invitae Variant Classification Sherloc (09022015). Collection method: clinical testing. Allele origin: germline.